The following is an entry in ClinVar:

NM_000824.5(GLRB):c.415T>C (p.Trp139Arg)

Gene: GLRB (glycine receptor beta; plus strand). Cytogenetic location: 4q32.1.
Variant type: single nucleotide variant.
Coding change: c.415T>C on transcript NM_000824.5 (MANE Select); coding-DNA position 415, T replaced by C.
Protein change: p.Trp139Arg; replaces tryptophan 139 with arginine.
Molecular consequence: missense variant.
Genome position (GRCh38, 1-based): chr4:157,136,586, T>C. VCF-style: chr4-157136586-T-C. GRCh37 (hg19) VCF-style: chr4-158057738-T-C.
Other names: c.415T>C (NM_000824.4); c.415T>C, p.Trp139Arg (NM_001166060.2, NM_001166061.2); short protein forms W139R.
Identifiers: ClinVar variation 1427030 (VCV001427030.7), dbSNP rs143539995, ClinGen allele CA3119747.
Genomic context (GRCh38, chr4:157,136,586, plus strand): 5'-CCCAGTGATTTTAGGGGTTCAGATGCACTGACAGTGGATCCAACAATGTACAAGTGTTTA[T>C]GGAAACCTGATTTATTTTTTGCAAATGAAAAAAGTGCCAATTTTCATGATGTGACCCAGG-3'
Protein context (NP_000815.1, residues 129-149): TVDPTMYKCL[Trp139Arg]KPDLFFANEK

ClinVar aggregate classification (germline): Uncertain significance. Review status: criteria provided, multiple submitters, no conflicts (2 of 4 stars). 2 submissions from 2 submitters: Uncertain significance (2). Last evaluated 2025-11-26.

Conditions:
Inborn genetic diseases. Identifiers: MedGen C0950123, MeSH D030342.
Hyperekplexia 2 (HKPX2). Identifiers: Orphanet 3197, MedGen C3553291, MONDO:0013828, OMIM 614619.

Allele frequency attached by ClinVar (database versions not stated): gnomAD exomes 0.00001; ExAC 0.00002; TOPMed 0.00002; gnomAD 0.00003 and 0.00004; ESP Exome Variant Server 0.00015.
gnomAD v4.1: 5 of 1,612,644 alleles (0.00031%); highest among the groups gnomAD compares: African/African-American, 0.0067%; no homozygotes.

Submissions (2):

Ambry Genetics
Classification: Uncertain significance for Inborn genetic diseases. Last evaluated: 2025-11-26. Review status: criteria provided, single submitter. Criteria: Ambry Variant Classification Scheme 2023. Collection method: clinical testing. Allele origin: germline.

Labcorp Genetics (formerly Invitae), Labcorp
Classification: Uncertain significance for Hyperekplexia 2. Last evaluated: 2021-09-17. Review status: criteria provided, single submitter. Criteria: Invitae Variant Classification Sherloc (09022015). Collection method: clinical testing. Allele origin: germline.
Comment: This sequence change replaces tryptophan with arginine at codon 139 of the GLRB protein (p.Trp139Arg). The tryptophan residue is highly conserved and there is a moderate physicochemical difference between tryptophan and arginine. This variant is present in population databases (rs143539995, ExAC 0.02%). This variant has not been reported in the literature in individuals with GLRB-related disease. Algorithms developed to predict the effect of missense changes on protein structure and function (SIFT, PolyPhen-2, Align-GVGD) all suggest that this variant is likely to be disruptive, but these predictions have not been confirmed by published functional studies and their clinical significance is uncertain. In summary, the available evidence is currently insufficient to determine the role of this variant in disease. Therefore, it has been classified as a Variant of Uncertain Significance.